The following is an entry in ClinVar:

NM_001106.4(ACVR2B):c.*394G>A

Gene: ACVR2B (activin A receptor type 2B; plus strand). Cytogenetic location: 3p22.2.
Variant type: single nucleotide variant.
Coding change: c.*394G>A on transcript NM_001106.4 (MANE Select); 394 bases downstream of the stop codon, G replaced by A.
Molecular consequence: 3 prime UTR variant.
Genome position (GRCh38, 1-based): chr3:38,483,726, G>A. VCF-style: chr3-38483726-G-A. GRCh37 (hg19) VCF-style: chr3-38525217-G-A.
Identifiers: ClinVar variation 344929 (VCV000344929.5), dbSNP rs115298793, ClinGen allele CA10615724.

ClinVar aggregate classification (germline): Benign (1 of 4 stars; one submission).

Conditions:
Heterotaxy, visceral, 4, autosomal (HTX4). Identifiers: Orphanet 450, MedGen C3151057, MONDO:0013403, OMIM 613751.

Allele frequency attached by ClinVar (database versions not stated): gnomAD exomes 0.00041; gnomAD 0.00277 and 0.00292; TOPMed 0.00306; 1000 Genomes Project 0.00399; 1000 Genomes Project 30x 0.00468.
gnomAD v4.1: 417 of 157,172 alleles (0.27%); highest among the groups gnomAD compares: African/African-American, 0.95%; 2 homozygotes.

Submission:

Illumina Laboratory Services, Illumina
Classification: Benign for Heterotaxy, visceral, 4, autosomal. Last evaluated: 2018-01-12. Review status: criteria provided, single submitter. Criteria: ICSL Variant Classification Criteria 13 December 2019. Collection method: clinical testing. Allele origin: germline.
Comment: This variant was observed in the ICSL laboratory as part of a predisposition screen in an ostensibly healthy population. It had not been previously curated by ICSL or reported in the Human Gene Mutation Database (HGMD: prior to June 1st, 2018), and was therefore a candidate for classification through an automated scoring system. Utilizing variant allele frequency, disease prevalence and penetrance estimates, and inheritance mode, an automated score was calculated to assess if this variant is too frequent to cause the disease. Based on the score and internal cut-off values, a variant classified as benign is not then subjected to further curation. The score for this variant resulted in a classification of benign for this disease.